The following is an entry in ClinVar:

NM_001135651.3(EIF2AK2):c.516+4C>T

Gene: EIF2AK2 (eukaryotic translation initiation factor 2 alpha kinase 2; minus strand). Cytogenetic location: 2p22.2.
Variant type: single nucleotide variant.
Coding change: c.516+4C>T on transcript NM_001135651.3 (MANE Select); 4 bases into the intron after coding-DNA position 516, C replaced by T.
Molecular consequence: intron variant.
Genome position (GRCh38, 1-based): chr2:37,139,627, G>A on the plus strand (C>T on the coding strand, the complement: EIF2AK2 is on the minus strand). VCF-style: chr2-37139627-G-A. GRCh37 (hg19) VCF-style: chr2-37366770-G-A.
Other names: c.516+4C>T (NM_002759.4, NM_001135652.2).
Identifiers: ClinVar variation 5039323 (VCV005039323.1).

ClinVar aggregate classification (germline): Likely benign (1 of 4 stars; one submission).

gnomAD v4.1: 70 of 1,609,324 alleles (0.0043%); highest among the groups gnomAD compares: Non-Finnish European, 0.005%; no homozygotes.

Submission:

CeGaT Center for Human Genetics Tuebingen
Classification: Likely benign. Last evaluated: 2026-07-01. Review status: criteria provided, single submitter. Criteria: CeGaT Center For Human Genetics Tuebingen Variant Classification Criteria Version 2. Collection method: clinical testing. Allele origin: germline. Affected: yes. Observed: 1 variant allele.
Comment: EIF2AK2: BP4